The following is an entry in ClinVar:

ClinVar aggregate classification (germline): Uncertain significance. Review status: criteria provided, multiple submitters, no conflicts (2 of 4 stars). 3 submissions from 3 submitters: Uncertain significance (2). 1 of the submissions does not count toward it. Last evaluated 2024-04-19.

Conditions:
Hereditary cancer-predisposing syndrome. Also called: Tumor predisposition; Neoplastic Syndromes, Hereditary; Hereditary Cancer Syndrome; Hereditary neoplastic syndrome. Identifiers: Orphanet 140162, MedGen C0027672, MeSH D009386, MONDO:0015356.
Microcephaly, normal intelligence and immunodeficiency (NBS). Also called: BERLIN BREAKAGE SYNDROME; Ataxia telangiectasia variant V1; IMMUNODEFICIENCY, MICROCEPHALY, AND CHROMOSOMAL INSTABILITY; SEEMANOVA SYNDROME II; Immunodeficiency, microcephaly with normal intelligence; Nijmegen breakage syndrome. Identifiers: Orphanet 647, MedGen C0398791, MONDO:0009623, OMIM 251260.
Malignant tumor of breast. Also called: Malignant breast neoplasm; Cancer breast. Identifiers: MedGen C0006142, MONDO:0007254. Disease mechanism: loss of function.

Allele frequency attached by ClinVar (database versions not stated): gnomAD exomes below 0.00001; gnomAD 0.00003.
gnomAD v4.1: 1 of 1,614,028 alleles (0.000062%); highest among the groups gnomAD compares: Non-Finnish European, 0.000085%; no homozygotes.

Submissions (3):

Ambry Genetics
Classification: Uncertain significance for Hereditary cancer-predisposing syndrome. Last evaluated: 2024-04-19. Review status: criteria provided, single submitter. Criteria: Ambry Variant Classification Scheme 2023. Collection method: clinical testing. Allele origin: germline.
Comment: The p.V47M variant (also known as c.139G>A), located in coding exon 2 of the NBN gene, results from a G to A substitution at nucleotide position 139. The valine at codon 47 is replaced by methionine, an amino acid with highly similar properties. This amino acid position is poorly conserved in available vertebrate species. In addition, this alteration is predicted to be tolerated by in silico analysis. Since supporting evidence is limited at this time, the clinical significance of this alteration remains unclear.

Labcorp Genetics (formerly Invitae), Labcorp
Classification: Uncertain significance for Microcephaly, normal intelligence and immunodeficiency. Last evaluated: 2023-08-31. Review status: criteria provided, single submitter. Criteria: Invitae Variant Classification Sherloc (09022015). Collection method: clinical testing. Allele origin: germline.
Comment: In summary, the available evidence is currently insufficient to determine the role of this variant in disease. Therefore, it has been classified as a Variant of Uncertain Significance. Algorithms developed to predict the effect of missense changes on protein structure and function output the following: SIFT: "Not Available"; PolyPhen-2: "Benign"; Align-GVGD: "Not Available". The methionine amino acid residue is found in multiple mammalian species, which suggests that this missense change does not adversely affect protein function. ClinVar contains an entry for this variant (Variation ID: 485921). This variant has not been reported in the literature in individuals affected with NBN-related conditions. This variant is not present in population databases (gnomAD no frequency). This sequence change replaces valine, which is neutral and non-polar, with methionine, which is neutral and non-polar, at codon 47 of the NBN protein (p.Val47Met).

Department of Pathology and Laboratory Medicine, Sinai Health System
Classification: Uncertain significance for Malignant tumor of breast. Review status: no assertion criteria provided. Collection method: clinical testing. Allele origin: unknown. Affected: yes. Study: The Canadian Open Genetics Repository (COGR). Not counted in ClinVar's aggregate classification.
Comment: The NBN p.Val47Met variant was not identified in the literature nor was it identified in the dbSNP, Cosmic, LOVD 3.0, or Zhejiang University databases. The variant was identified in ClinVar (classified as uncertain significance by Ambry Genetics). The variant was also not identified in the following control databases: the Exome Aggregation Consortium (August 8th 2016) or the Genome Aggregation Database (Feb 27, 2017). The p.Val47 residue is conserved in mammals but not in more distantly related organisms. However, four out of five computational analyses (PolyPhen-2, SIFT, AlignGVGD, BLOSUM, MutationTaster) do not suggest a high likelihood of impact to the protein; this information is not predictive enough to rule out pathogenicity. The variant occurs outside of the splicing consensus sequence and in silico or computational prediction software programs (SpliceSiteFinder, MaxEntScan, NNSPLICE, GeneSplicer) do not predict a difference in splicing. In summary, based on the above information, the clinical significance of this variant cannot be determined with certainty at this time. This variant is classified as a variant of uncertain significance.

NM_002485.5(NBN):c.139G>A (p.Val47Met)

Gene: NBN (nibrin; minus strand). Cytogenetic location: 8q21.3.
Variant type: single nucleotide variant.
Coding change: c.139G>A on transcript NM_002485.5 (MANE Select); coding-DNA position 139, G replaced by A.
Protein change: p.Val47Met; replaces valine 47 with methionine.
Molecular consequence: missense variant. On other transcripts: 5 prime UTR variant (1).
Genome position (GRCh38, 1-based): chr8:89,982,754, C>T on the plus strand (G>A on the coding strand, the complement: NBN is on the minus strand). VCF-style: chr8-89982754-C-T. GRCh37 (hg19) VCF-style: chr8-90994982-C-T.
Other names: c.-158G>A (NM_001024688.3); short protein forms V47M.
Identifiers: ClinVar variation 485921 (VCV000485921.11), dbSNP rs876658446, ClinGen allele CA371663010.
Genomic context (GRCh38, chr8:89,982,754, plus strand): 5'-AACTAGTGAAATAAAATTAGTAACATACCAGGTTGGTTACAGAAAAGTTAGCAGTTAACA[C>T]AGCATGATTTCGGCTGATCGACTGATCATTTTCAATCAGAATGGCACAGTTTTTCCTTCC-3'
Protein context (NP_002476.2, residues 37-57): NDQSISRNHA[Val47Met]LTANFSVTNL